The following is an entry in ClinVar:

NM_006796.3(AFG3L2):c.1997T>C (p.Met666Thr)

Gene: AFG3L2 (AFG3 like matrix AAA peptidase subunit 2; minus strand). Cytogenetic location: 18p11.21.
Variant type: single nucleotide variant.
Coding change: c.1997T>C on transcript NM_006796.3 (MANE Select); coding-DNA position 1997, T replaced by C.
Protein change: p.Met666Thr; replaces methionine 666 with threonine.
Molecular consequence: missense variant.
Genome position (GRCh38, 1-based): chr18:12,337,519, A>G on the plus strand (T>C on the coding strand, the complement: AFG3L2 is on the minus strand). VCF-style: chr18-12337519-A-G. GRCh37 (hg19) VCF-style: chr18-12337518-A-G.
Other names: short protein forms M666T.
Identifiers: ClinVar variation 38389 (VCV000038389.7), dbSNP rs151344515, ClinGen allele CA343032.
Genomic context (GRCh38, chr18:12,337,519, plus strand): 5'-TCCAATACCATGTCCCCCTGACGTGGGAGGTCAAAGGAGATTTGCCCAACCTTTTCATTC[A>G]TGCCAAACTGAACAATCTGAAAAATACATAATTAGTGGTGATTACATATGATTGTTCTTT-3'
Protein context (NP_006787.2, residues 656-676): SAYAQIVQFG[Met666Thr]NEKVGQISFD

ClinVar aggregate classification (germline): Pathogenic/Likely pathogenic. Review status: criteria provided, multiple submitters, no conflicts (2 of 4 stars). 4 submissions from 4 submitters: Pathogenic (2); Likely pathogenic (1). 1 of the submissions does not count toward it. Last evaluated 2025-08-13.

Conditions:
Spinocerebellar ataxia type 28 (SCA28). Also called: Spinocerebellar Ataxia Type 28 (SCA28). Identifiers: Orphanet 101109, MedGen C1853249, MONDO:0012450, OMIM 610246.

Submissions (4):

3billion
Classification: Likely pathogenic for Spinocerebellar ataxia type 28. Last evaluated: 2025-08-13. Review status: criteria provided, single submitter. Criteria: ACMG Guidelines, 2015. Collection method: clinical testing. Allele origin: germline. Affected: yes.
Comment: The variant is not observed in the gnomAD v4.1.0 dataset. Predicted Consequence/Location: The variant is located in a mutational hot spot and/or well-established functional domain in which established pathogenic variants have been reported. In silico tool predictions suggest damaging effect of the variant on gene or gene product [REVEL: 0.95 (>=0.6, sensitivity 0.68 and specificity 0.92); 3Cnet: 0.79 (> 0.75, sensitivity 0.96 and precision 0.92)]. The same nucleotide change resulting in the same amino acid change has been previously reported to be associated with AFG3L2-related disorder (ClinVar ID: VCV000038389 /PMID: 20725928).Different missense changes at the same codon (p.Met666Arg, p.Met666Val) have been reported as pathogenic/likely pathogenic with strong evidence (ClinVar ID: VCV000030423, VCV000030424 / PMID: 20725928). Therefore, this variant is classified as Likely pathogenic according to the recommendation of ACMG/AMP guideline.

Labcorp Genetics (formerly Invitae), Labcorp
Classification: Pathogenic. Last evaluated: 2025-02-13. Review status: criteria provided, single submitter. Criteria: Invitae Variant Classification Sherloc (09022015). Collection method: clinical testing. Allele origin: germline.
Comment: This sequence change replaces methionine, which is neutral and non-polar, with threonine, which is neutral and polar, at codon 666 of the AFG3L2 protein (p.Met666Thr). This variant is not present in population databases (gnomAD no frequency). This missense change has been observed in individuals with autosomal dominant spinocerebellar ataxia (PMID: 20725928, 30910913). ClinVar contains an entry for this variant (Variation ID: 38389). Invitae Evidence Modeling of protein sequence and biophysical properties (such as structural, functional, and spatial information, amino acid conservation, physicochemical variation, residue mobility, and thermodynamic stability) indicates that this missense variant is expected to disrupt AFG3L2 protein function with a positive predictive value of 95%. This variant disrupts the p.Met666 amino acid residue in AFG3L2. Other variant(s) that disrupt this residue have been observed in individuals with AFG3L2-related conditions (PMID: 20725928), which suggests that this may be a clinically significant amino acid residue. For these reasons, this variant has been classified as Pathogenic.

Athena Diagnostics
Classification: Pathogenic. Last evaluated: 2024-10-29. Review status: criteria provided, single submitter. Criteria: Athena Diagnostics Criteria. Collection method: clinical testing. Allele origin: unknown.
Comment: This variant has not been reported in large, multi-ethnic general populations. This variant has been identified in at least one individual with clinical features associated with this gene. Assessment of experimental evidence suggests this variant results in abnormal protein function. (PMID: 30910913) At least one other missense variant at this codon is considered to be pathogenic or likely pathogenic, suggesting this variant may also cause disease.

GeneReviews
No classification provided. Condition: Spinocerebellar ataxia type 28. Review status: no classification provided. Collection method: literature only. Allele origin: germline. Not counted in ClinVar's aggregate classification.

Literature cited by the submitters: PubMed 20725928 (cited by 3 submitters); PubMed 30910913 (cited by Labcorp Genetics (formerly Invitae), Labcorp and Athena Diagnostics); PubMed 32219868 (cited by Athena Diagnostics); PubMed 31327635 (cited by Athena Diagnostics); PubMed 23777634 (cited by Athena Diagnostics); NCBI Bookshelf NBK54582 (cited by GeneReviews).